The following is an entry in ClinVar:

ClinVar aggregate classification (germline): Uncertain significance (1 of 4 stars; one submission).

Submission:

Labcorp Genetics (formerly Invitae), Labcorp
Classification: Uncertain significance. Last evaluated: 2022-03-18. Review status: criteria provided, single submitter. Criteria: Invitae Variant Classification Sherloc (09022015). Collection method: clinical testing. Allele origin: germline.
Comment: This variant has not been reported in the literature in individuals affected with TREM2-related conditions. Algorithms developed to predict the effect of missense changes on protein structure and function (SIFT, PolyPhen-2, Align-GVGD) all suggest that this variant is likely to be disruptive. In summary, the available evidence is currently insufficient to determine the role of this variant in disease. Therefore, it has been classified as a Variant of Uncertain Significance. This variant is not present in population databases (gnomAD no frequency). This sequence change replaces aspartic acid, which is acidic and polar, with valine, which is neutral and non-polar, at codon 87 of the TREM2 protein (p.Asp87Val).

NM_018965.4(TREM2):c.260A>T (p.Asp87Val)

Gene: TREM2 (triggering receptor expressed on myeloid cells 2; minus strand). Cytogenetic location: 6p21.1.
Variant type: single nucleotide variant.
Coding change: c.260A>T on transcript NM_018965.4 (MANE Select); coding-DNA position 260, A replaced by T.
Protein change: p.Asp87Val; replaces aspartic acid 87 with valine.
Molecular consequence: missense variant.
Genome position (GRCh38, 1-based): chr6:41,161,394, T>A on the plus strand (A>T on the coding strand, the complement: TREM2 is on the minus strand). VCF-style: chr6-41161394-T-A. GRCh37 (hg19) VCF-style: chr6-41129132-T-A.
Other names: c.260A>T, p.Asp87Val (NM_001271821.2); short protein forms D87V.
Identifiers: ClinVar variation 2113791 (VCV002113791.4), dbSNP rs2532388265, ClinGen allele CA364058910.